The following is an entry in ClinVar:

NM_002734.5(PRKAR1A):c.709-7_709-2del

Gene: PRKAR1A (protein kinase cAMP-dependent type I regulatory subunit alpha; plus strand). Cytogenetic location: 17q24.2.
Variant type: Microsatellite.
Coding change: c.709-7_709-2del on transcript NM_002734.5 (MANE Select); 7 bases into the intron before coding-DNA position 709 through the canonical splice acceptor site of the intron before coding-DNA position 709, 6 bases deleted (TTTTTA; older notation c.709-7_709-2delTTTTTA).
Molecular consequence: splice acceptor variant.
Genome position (GRCh38, 1-based): chr17:68,527,833-68,527,838, TTTTTA deleted; deleting any 6 consecutive bases within chr17:68,527,824-68,527,838 gives the same sequence; the c. name uses the placement nearest the transcript's 3' end. VCF-style (leftmost placement, unchanged base first): chr17-68527823-GTTATTT-G. GRCh37 (hg19) VCF-style: chr17-66523964-GTTATTT-G.
Other names: c.709-7_709-2delTTTTTA (NM_212472.1); c.709-7_709-2del (NM_001278433.2, NM_001369389.1, NM_212471.3 and 4 more transcripts).
Identifiers: ClinVar variation 12675 (VCV000012675.15), dbSNP rs281864801, ClinGen allele CA256538.

ClinVar aggregate classification (germline): Pathogenic/Likely pathogenic. Review status: criteria provided, multiple submitters, no conflicts (2 of 4 stars). 6 submissions from 5 submitters: Pathogenic (2); Likely pathogenic (1). 3 of the submissions do not count toward it. Last evaluated 2022-12-13.

Conditions:
Carney complex, type 1 (CNC1). Also called: CARNEY MYXOMA-ENDOCRINE COMPLEX; CARNEY COMPLEX, TYPE I. Identifiers: Orphanet 1359, MedGen C2607929, MONDO:0008057, OMIM 160980.
Acrodysostosis 1 with or without hormone resistance (ACRDYS1). Also called: ACRODYSOSTOSIS 1 WITH HORMONE RESISTANCE; ACRODYSOSTOSIS WITH HORMONE RESISTANCE; ACRODYSOSTOSIS 1 WITHOUT HORMONE RESISTANCE. Identifiers: Orphanet 280651, MedGen C3276228, MONDO:0007044, OMIM 101800.
Pigmented nodular adrenocortical disease, primary, 1 (PPNAD1). Also called: ADRENOCORTICAL NODULAR DYSPLASIA, PRIMARY; CUSHING SYNDROME, ADRENAL, DUE TO PPNAD1; PIGMENTED MICRONODULAR ADRENOCORTICAL DISEASE, PRIMARY, 1. Identifiers: Orphanet 189439, MedGen C1864846, MONDO:0012509, OMIM 610489.
Familial atrial myxoma. Identifiers: Orphanet 615, MedGen C2931787, MONDO:0009719, OMIM 255960.

Submissions (6):

Labcorp Genetics (formerly Invitae), Labcorp
Classification: Pathogenic for Carney complex, type 1. Last evaluated: 2022-12-13. Review status: criteria provided, single submitter. Criteria: Invitae Variant Classification Sherloc (09022015). Collection method: clinical testing. Allele origin: germline.
Comment: For these reasons, this variant has been classified as Pathogenic. Studies have shown that this variant results in skipping of exon 8 (also called exon 7) and introduces a premature termination codon (PMID: 16464939). The resulting mRNA is expected to undergo nonsense-mediated decay. This variant is also known as exon 7 IVS del (-7_-2). This variant has been observed in individuals with clinical features of Carney complex, mostly presenting with primary pigmented nodular adrenocortical disease (PPNAD) (PMID: 16464939, 24859511, 29909407). It has also been observed to segregate with disease in related individuals. This variant is not present in population databases (gnomAD no frequency). This sequence change falls in intron 7 of the PRKAR1A gene. It does not directly change the encoded amino acid sequence of the PRKAR1A protein. RNA analysis indicates that this variant induces altered splicing and may result in an absent or disrupted protein product.

Fulgent Genetics
Classification: Pathogenic for Acrodysostosis 1 with or without hormone resistance; Carney complex, type 1; Familial atrial myxoma; Pigmented nodular adrenocortical disease, primary, 1. Last evaluated: 2021-10-26. Review status: criteria provided, single submitter. Criteria: ACMG Guidelines, 2015. Collection method: clinical testing. Allele origin: unknown.

Department of Pathology and Laboratory Medicine, Sinai Health System
Classification: Likely pathogenic for Carney complex, type 1. Review status: criteria provided, single submitter. Criteria: ACMG Guidelines, 2015. Collection method: clinical testing. Allele origin: germline.

OMIM
Classification: Pathogenic for PIGMENTED NODULAR ADRENOCORTICAL DISEASE, PRIMARY, 1. Last evaluated: 2006-05-01. Review status: no assertion criteria provided. Collection method: literature only. Allele origin: germline. Not counted in ClinVar's aggregate classification.

OMIM
Classification: Pathogenic for CARNEY COMPLEX, TYPE I. Last evaluated: 2006-05-01. Review status: no assertion criteria provided. Collection method: literature only. Allele origin: germline. Not counted in ClinVar's aggregate classification.

GeneReviews
No classification provided. Condition: Carney complex, type 1. Review status: no classification provided. Collection method: literature only. Allele origin: germline. Not counted in ClinVar's aggregate classification.

Literature cited by the submitters: PubMed 16464939 (cited by 3 submitters); PubMed 24859511 (cited by Labcorp Genetics (formerly Invitae), Labcorp); PubMed 29909407 (cited by Labcorp Genetics (formerly Invitae), Labcorp); PubMed 12213893 (cited by OMIM).